The following is an entry in ClinVar:

ClinVar aggregate classification (germline): Uncertain significance (1 of 4 stars; one submission).

Submission:

ARUP Laboratories, Molecular Genetics and Genomics, ARUP Laboratories
Classification: Uncertain significance. Last evaluated: 2024-02-13. Review status: criteria provided, single submitter. Criteria: ARUP Molecular Germline Variant Investigation Process 2024. Collection method: clinical testing. Allele origin: germline.
Comment: The F8 c.5186G>T; p.Gly1729Val variant, to our knowledge, is not reported in the medical literature or gene specific databases. This variant is also absent from the Genome Aggregation Database (v2.1.1), indicating it is not a common polymorphism. Other variants at this codon (c.5186G>A, p.Gly1729Glu) have been reported in individuals with mild hemophilia A and are considered to be mildly pathogenic (Castaman 2009, Lannoy 2012). Computational analyses predict that this variant is deleterious (REVEL: 0.741). Due to limited information, the clinical significance of this variant is uncertain at this time. References: Castaman G et al. Molecular and phenotypic determinants of the response to desmopressin in adult patients with mild hemophilia A. J Thromb Haemost. 2009 Nov;7(11):1824-31. PMID: 19719828. Lannoy N et al. Computational and molecular approaches for predicting unreported causal missense mutations in Belgian patients with haemophilia A. Haemophilia. 2012 May;18(3):e331-9. PMID: 21883705.

NM_000132.4(F8):c.5186G>T (p.Gly1729Val)

Gene: F8 (coagulation factor VIII; minus strand). Cytogenetic location: Xq28.
Variant type: single nucleotide variant.
Coding change: c.5186G>T on transcript NM_000132.4 (MANE Select); coding-DNA position 5186, G replaced by T.
Protein change: p.Gly1729Val; replaces glycine 1729 with valine.
Molecular consequence: missense variant.
Genome position (GRCh38, 1-based): chrX:154,928,604, C>A on the plus strand (G>T on the coding strand, the complement: F8 is on the minus strand). VCF-style: chrX-154928604-C-A. GRCh37 (hg19) VCF-style: chrX-154156879-C-A.
Other names: short protein forms G1729V.
Identifiers: ClinVar variation 3766458 (VCV003766458.1).